The following is an entry in ClinVar:

ClinVar aggregate classification (germline): Conflicting classifications of pathogenicity. Review status: criteria provided, conflicting classifications (1 of 4 stars). 2 submissions from 2 submitters: Uncertain significance (1); Likely benign (1). Last evaluated 2025-07-03.

Conditions:
Cardiovascular phenotype. Identifiers: MedGen CN230736.
Anterior segment dysgenesis. Also called: Ocular anterior segment dysgenesis. Identifiers: Orphanet 88632, MedGen C1862839, MONDO:0019503, HP:0007700.
Congenital primary aphakia. Also called: ANTERIOR SEGMENT DYSGENESIS 2; Anterior segment dysgenesis 2, multiple subtypes. Identifiers: Orphanet 83461, MedGen C1853230, MONDO:0012456, OMIM 610256.

gnomAD v4.1: 1 of 1,353,814 alleles (0.000074%); highest among the groups gnomAD compares: Non-Finnish European, 0.000095%; no homozygotes.

Submissions (2):

Ambry Genetics
Classification: Likely benign for Cardiovascular phenotype. Last evaluated: 2025-07-03. Review status: criteria provided, single submitter. Criteria: Ambry Variant Classification Scheme 2023. Collection method: clinical testing. Allele origin: germline.

Labcorp Genetics (formerly Invitae), Labcorp
Classification: Uncertain significance for Anterior segment dysgenesis; Congenital primary aphakia. Last evaluated: 2025-05-24. Review status: criteria provided, single submitter. Criteria: Invitae Variant Classification Sherloc (09022015). Collection method: clinical testing. Allele origin: germline.
Comment: This sequence change affects codon 313 of the FOXE3 mRNA. It is a 'silent' change, meaning that it does not change the encoded amino acid sequence of the FOXE3 protein. This variant is not present in population databases (gnomAD no frequency). This variant has not been reported in the literature in individuals affected with FOXE3-related conditions. In summary, the available evidence is currently insufficient to determine the role of this variant in disease. Therefore, it has been classified as a Variant of Uncertain Significance.

NM_012186.3(FOXE3):c.939G>C (p.Ser313=)

Genes: FOXE3 (forkhead box E3; plus strand), LINC01389 (long independently transcribed non-coding RNA 1389; minus strand). Cytogenetic location: 1p33.
Variant type: single nucleotide variant.
Coding change: c.939G>C on transcript NM_012186.3 (MANE Select); coding-DNA position 939, G replaced by C.
Protein change: p.Ser313=; no amino-acid change (serine 313 retained).
Molecular consequence: synonymous variant.
Genome position (GRCh38, 1-based): chr1:47,417,254, G>C. VCF-style: chr1-47417254-G-C. GRCh37 (hg19) VCF-style: chr1-47882926-G-C.
Identifiers: ClinVar variation 4259173 (VCV004259173.2).
Genomic context (GRCh38, chr1:47,417,254, plus strand): 5'-AGCCGCTCTCGGCCCGCTCAGCCCTGGGGAGGCCTACCTGAGGCAGCCGGGCTTCGCGTC[G>C]GGGCTGGAGCGCTACCTGTGAGCCTGCGCCGCGCGGGCAGGCACCTGTGCGACCTGTGCC-3'
Protein context (NP_036318.1, residues 303-319): EAYLRQPGFA[Ser313=]GLERYL